The following is an entry in ClinVar:

ClinVar aggregate classification (germline): Uncertain significance (1 of 4 stars; one submission).

Conditions:
Hereditary cancer-predisposing syndrome. Also called: Tumor predisposition; Neoplastic Syndromes, Hereditary; Hereditary neoplastic syndrome; Hereditary Cancer Syndrome. Identifiers: Orphanet 140162, MedGen C0027672, MeSH D009386, MONDO:0015356.

Submission:

Ambry Genetics
Classification: Uncertain significance for Hereditary cancer-predisposing syndrome. Last evaluated: 2024-11-21. Review status: criteria provided, single submitter. Criteria: Ambry Variant Classification Scheme 2023. Collection method: clinical testing. Allele origin: germline.
Comment: The c.107-5T>C intronic variant results from a T to C substitution 5 nucleotides upstream from coding exon 2 in the TSC1 gene. This nucleotide position is well conserved in available vertebrate species. In silico splice site analysis predicts that this alteration will not have any significant effect on splicing. Based on the available evidence, the clinical significance of this variant remains unclear.

NM_000368.5(TSC1):c.107-5T>C

Gene: TSC1 (TSC complex subunit 1; minus strand). Cytogenetic location: 9q34.13.
Variant type: single nucleotide variant.
Coding change: c.107-5T>C on transcript NM_000368.5 (MANE Select); 5 bases into the intron before coding-DNA position 107, T replaced by C.
Molecular consequence: intron variant.
Genome position (GRCh38, 1-based): chr9:132,927,309, A>G on the plus strand (T>C on the coding strand, the complement: TSC1 is on the minus strand). VCF-style: chr9-132927309-A-G. GRCh37 (hg19) VCF-style: chr9-135802696-A-G.
Other names: c.-153-1570T>C (NM_001406620.1, NM_001406618.1); c.-154+1458T>C (NM_001406625.1, NM_001406621.1, NM_001406617.1 and 3 more transcripts); c.107-5T>C (NM_001406613.1, NM_001406612.1, NM_001406610.1 and 21 more transcripts); c.-771-5T>C (NM_001406627.1, NM_001406628.1, NM_001406626.1); c.-913-5T>C (NM_001406629.1); c.-246+1458T>C (NM_001406614.1); c.-987-5T>C (NM_001406630.1); c.-349-5T>C (NM_001406624.1, NM_001406616.1); and 1 more.
Identifiers: ClinVar variation 3462419 (VCV003462419.1).